The following is an entry in ClinVar:

ClinVar aggregate classification (germline): Uncertain significance. Review status: criteria provided, multiple submitters, no conflicts (2 of 4 stars). 2 submissions from 2 submitters: Uncertain significance (2). Last evaluated 2020-11-17.

Conditions:
Hereditary nonpolyposis colorectal neoplasms. Identifiers: MedGen C0009405, MeSH D003123.
Hereditary cancer-predisposing syndrome. Also called: Tumor predisposition; Neoplastic Syndromes, Hereditary; Hereditary neoplastic syndrome; Hereditary Cancer Syndrome. Identifiers: Orphanet 140162, MedGen C0027672, MeSH D009386, MONDO:0015356.

Submissions (2):

Ambry Genetics
Classification: Uncertain significance for Hereditary cancer-predisposing syndrome. Last evaluated: 2020-11-17. Review status: criteria provided, single submitter. Criteria: Ambry Variant Classification Scheme 2023. Collection method: clinical testing. Allele origin: germline.
Comment: The p.C779Y variant (also known as c.2336G>A), located in coding exon 4 of the MSH6 gene, results from a G to A substitution at nucleotide position 2336. The cysteine at codon 779 is replaced by tyrosine, an amino acid with highly dissimilar properties. This amino acid position is highly conserved in available vertebrate species. In addition, this alteration is predicted to be deleterious by in silico analysis. Since supporting evidence is limited at this time, the clinical significance of this alteration remains unclear.

Labcorp Genetics (formerly Invitae), Labcorp
Classification: Uncertain significance for Hereditary nonpolyposis colorectal neoplasms. Last evaluated: 2019-04-17. Review status: criteria provided, single submitter. Criteria: Invitae Variant Classification Sherloc (09022015). Collection method: clinical testing. Allele origin: germline.
Comment: This sequence change replaces cysteine with tyrosine at codon 779 of the MSH6 protein (p.Cys779Tyr). The cysteine residue is highly conserved and there is a large physicochemical difference between cysteine and tyrosine. In summary, the available evidence is currently insufficient to determine the role of this variant in disease. Therefore, it has been classified as a Variant of Uncertain Significance. Algorithms developed to predict the effect of missense changes on protein structure and function are either unavailable or do not agree on the potential impact of this missense change (SIFT: "Deleterious"; PolyPhen-2: "Probably Damaging"; Align-GVGD: "Class C0"). This variant has not been reported in the literature in individuals with MSH6-related conditions. This variant is not present in population databases (ExAC no frequency).

NM_000179.3(MSH6):c.2336G>A (p.Cys779Tyr)

Gene: MSH6 (mutS homolog 6; plus strand). Cytogenetic location: 2p16.3.
Variant type: single nucleotide variant.
Coding change: c.2336G>A on transcript NM_000179.3 (MANE Select); coding-DNA position 2336, G replaced by A.
Protein change: p.Cys779Tyr; replaces cysteine 779 with tyrosine.
Molecular consequence: missense variant.
Genome position (GRCh38, 1-based): chr2:47,800,319, G>A. VCF-style: chr2-47800319-G-A. GRCh37 (hg19) VCF-style: chr2-48027458-G-A.
Other names: c.1946G>A, p.Cys649Tyr (NM_001281492.2); c.1430G>A, p.Cys477Tyr (NM_001281493.2, NM_001281494.2); short protein forms C477Y, C779Y, C649Y.
Identifiers: ClinVar variation 848664 (VCV000848664.12), dbSNP rs1669450482, ClinGen allele CA346753398.